The following is an entry in ClinVar:

ClinVar aggregate classification (germline): Benign/Likely benign. Review status: criteria provided, multiple submitters, no conflicts (2 of 4 stars). 3 submissions from 3 submitters: Benign (2); Likely benign (1). Last evaluated 2026-01-28.

Conditions:
Cerebral creatine deficiency syndrome. Also called: Creatine deficiency syndromes. Identifiers: Orphanet 79172, MedGen C5244016, MONDO:0000456.

Allele frequency attached by ClinVar (database versions not stated): TOPMed 0.00031; gnomAD 0.00033; gnomAD exomes 0.00059; ESP Exome Variant Server 0.00062; ExAC 0.00067.

Submissions (3):

Labcorp Genetics (formerly Invitae), Labcorp
Classification: Benign for Cerebral creatine deficiency syndrome. Last evaluated: 2026-01-28. Review status: criteria provided, single submitter. Criteria: Invitae Variant Classification Sherloc (09022015). Collection method: clinical testing. Allele origin: germline.

Blueprint Genetics
Classification: Likely benign. Last evaluated: 2024-11-04. Review status: criteria provided, single submitter. Criteria: ACMG Guidelines, 2015. Collection method: clinical testing. Allele origin: germline.

GeneDx
Classification: Benign. Last evaluated: 2013-04-24. Review status: criteria provided, single submitter. Criteria: GeneDx Variant Classification (06012015). Collection method: clinical testing. Allele origin: germline. Affected: yes.
Comment: This variant is considered likely benign or benign based on one or more of the following criteria: it is a conservative change, it occurs at a poorly conserved position in the protein, it is predicted to be benign by multiple in silico algorithms, and/or has population frequency not consistent with disease.

NM_000156.6(GAMT):c.182-18C>T

Gene: GAMT (guanidinoacetate N-methyltransferase; minus strand). Cytogenetic location: 19p13.3.
Variant type: single nucleotide variant.
Coding change: c.182-18C>T on transcript NM_000156.6 (MANE Select); 18 bases into the intron before coding-DNA position 182, C replaced by T.
Molecular consequence: intron variant.
Genome position (GRCh38, 1-based): chr19:1,399,956, G>A on the plus strand (C>T on the coding strand, the complement: GAMT is on the minus strand). VCF-style: chr19-1399956-G-A. GRCh37 (hg19) VCF-style: chr19-1399955-G-A.
Other names: c.182-18C>T (NM_138924.3).
Identifiers: ClinVar variation 137432 (VCV000137432.10), dbSNP rs376709081, ClinGen allele CA291012.
Genomic context (GRCh38, chr19:1,399,956, plus strand): 5'-GCTGCGATGGCCATGCCAAAGCCCACCTCCAGGACCCGGCCCCCTGGGCAGACACAGGGC[G>A]CCTGGCATCACTAGGTGGGGCGGGCTTAGGAGGCTGCCTGGAGGAGGGGCACAGGGCAGG-3'